The following is an entry in ClinVar:

NM_001042492.3(NF1):c.2693T>G (p.Leu898Arg)

Gene: NF1 (neurofibromin 1; plus strand). Cytogenetic location: 17q11.2.
Variant type: single nucleotide variant.
Coding change: c.2693T>G on transcript NM_001042492.3 (MANE Select); coding-DNA position 2693, T replaced by G.
Protein change: p.Leu898Arg; replaces leucine 898 with arginine.
Molecular consequence: missense variant.
Genome position (GRCh38, 1-based): chr17:31,229,308, T>G. VCF-style: chr17-31229308-T-G. GRCh37 (hg19) VCF-style: chr17-29556326-T-G.
Other names: c.2693T>G, p.Leu898Arg (NM_000267.4); short protein forms L898R.
Identifiers: ClinVar variation 863165 (VCV000863165.6), dbSNP rs199474786, ClinGen allele CA398984992.
Genomic context (GRCh38, chr17:31,229,308, plus strand): 5'-TTTCAGTGATGTCTTCAGAGGGAAACGCAGATACACCTGTCAGCAAATTTATGGATCGGC[T>G]GTTGTCCTTAATGGTGTGTAACCATGAGAAAGTGGGACTTCAAATACGGACCAATGTTAA-3'
Protein context (NP_001035957.1, residues 888-908): DTPVSKFMDR[Leu898Arg]LSLMVCNHEK

ClinVar aggregate classification (germline): Pathogenic (1 of 4 stars; one submission).

Conditions:
Neurofibromatosis, type 1 (NF1). Also called: Neurofibromatosis, type I; VON RECKLINGHAUSEN DISEASE; Peripheral type neurofibromatosis; NEUROFIBROMATOSIS, TYPE I, SOMATIC. Identifiers: Orphanet 636, MedGen C0027831, MONDO:0018975, OMIM 162200. Disease mechanism: loss of function.

Submission:

Labcorp Genetics (formerly Invitae), Labcorp
Classification: Pathogenic for Neurofibromatosis, type 1. Last evaluated: 2024-10-03. Review status: criteria provided, single submitter. Criteria: Invitae Variant Classification Sherloc (09022015). Collection method: clinical testing. Allele origin: germline.
Comment: This sequence change replaces leucine, which is neutral and non-polar, with arginine, which is basic and polar, at codon 898 of the NF1 protein (p.Leu898Arg). This variant is not present in population databases (gnomAD no frequency). This missense change has been observed in individual(s) with clinical features of neurofibromatosis type I (internal data). ClinVar contains an entry for this variant (Variation ID: 863165). Invitae Evidence Modeling of protein sequence and biophysical properties (such as structural, functional, and spatial information, amino acid conservation, physicochemical variation, residue mobility, and thermodynamic stability) indicates that this missense variant is expected to disrupt NF1 protein function with a positive predictive value of 95%. This variant disrupts the p.Leu898 amino acid residue in NF1. Other variant(s) that disrupt this residue have been determined to be pathogenic (PMID: 9150739, 20605257, 21512413, 24676943, 29415745, 29685074). This suggests that this residue is clinically significant, and that variants that disrupt this residue are likely to be disease-causing. For these reasons, this variant has been classified as Pathogenic.

Literature cited by the submitters: PubMed 9150739; PubMed 20605257; PubMed 21512413; PubMed 24676943; PubMed 29415745; PubMed 29685074.